The following is an entry in ClinVar:

ClinVar aggregate classification (germline): Uncertain significance. Review status: criteria provided, multiple submitters, no conflicts (2 of 4 stars). 2 submissions from 2 submitters: Uncertain significance (2). Last evaluated 2025-11-20.

Conditions:
Inborn genetic diseases. Identifiers: MedGen C0950123, MeSH D030342.

Allele frequency attached by ClinVar (database versions not stated): ESP Exome Variant Server 0.00008; TOPMed 0.00017; 1000 Genomes Project 30x 0.00031.
gnomAD v4.1: 113 of 1,612,442 alleles (0.007%); highest among the groups gnomAD compares: Admixed American, 0.06%; no homozygotes.

Submissions (2):

Ambry Genetics
Classification: Uncertain significance for Inborn genetic diseases. Last evaluated: 2025-11-20. Review status: criteria provided, single submitter. Criteria: Ambry Variant Classification Scheme 2023. Collection method: clinical testing. Allele origin: germline.

GeneDx
Classification: Uncertain significance. Last evaluated: 2024-11-12. Review status: criteria provided, single submitter. Criteria: GeneDx Variant Classification Process June 2021. Collection method: clinical testing. Allele origin: germline.
Comment: In silico analysis supports that this missense variant has a deleterious effect on protein structure/function; Has not been previously published as pathogenic or benign to our knowledge

NM_001256012.3(MYH10):c.5881C>T (p.Arg1961Trp)

Gene: MYH10 (myosin heavy chain 10; minus strand). Cytogenetic location: 17p13.1.
Variant type: single nucleotide variant.
Coding change: c.5881C>T on transcript NM_001256012.3 (MANE Select); coding-DNA position 5881, C replaced by T.
Protein change: p.Arg1961Trp; replaces arginine 1961 with tryptophan.
Molecular consequence: missense variant.
Genome position (GRCh38, 1-based): chr17:8,475,947, G>A on the plus strand (C>T on the coding strand, the complement: MYH10 is on the minus strand). VCF-style: chr17-8475947-G-A. GRCh37 (hg19) VCF-style: chr17-8379265-G-A.
Other names: c.5815C>T, p.Arg1939Trp (NM_001256095.2); c.5818C>T, p.Arg1940Trp (NM_001375266.1); c.5788C>T, p.Arg1930Trp (NM_005964.5); c.5788C>T (NM_005964.1); short protein forms R1930W, R1939W, R1940W, R1961W.
Identifiers: ClinVar variation 2444573 (VCV002444573.4), dbSNP rs199834633, ClinGen allele CA8376651.